The following is an entry in ClinVar:

NM_002645.4(PIK3C2A):c.3349G>T (p.Val1117Phe)

Gene: PIK3C2A (phosphatidylinositol-4-phosphate 3-kinase catalytic subunit type 2 alpha; minus strand). Cytogenetic location: 11p15.1.
Variant type: single nucleotide variant.
Coding change: c.3349G>T on transcript NM_002645.4 (MANE Select); coding-DNA position 3349, G replaced by T.
Protein change: p.Val1117Phe; replaces valine 1117 with phenylalanine.
Molecular consequence: missense variant.
Genome position (GRCh38, 1-based): chr11:17,112,639, C>A on the plus strand (G>T on the coding strand, the complement: PIK3C2A is on the minus strand). VCF-style: chr11-17112639-C-A. GRCh37 (hg19) VCF-style: chr11-17134186-C-A.
Other names: c.3349G>T, p.Val1117Phe (NM_001321378.2); c.2209G>T, p.Val737Phe (NM_001321380.2); c.3181G>T, p.Val1061Phe (NM_001386870.1); short protein forms V1061F, V1117F, V737F.
Identifiers: ClinVar variation 1997086 (VCV001997086.4), dbSNP rs2494021814, ClinGen allele CA379757610.
Genomic context (GRCh38, chr11:17,112,639, plus strand): 5'-ACATGACATTAATTTCTTCTCCCATAGGGTCAGCATTCACCATTGTGACTTTTAGGGGGA[C>A]AGCATTAGAACTGAAGAAGGAACACGACTGCAAATACAACATGTTAAGCATTAGAAAGAT-3'
Protein context (NP_002636.2, residues 1107-1127): KSCSFFSSNA[Val1117Phe]PLKVTMVNAD

ClinVar aggregate classification (germline): Uncertain significance (1 of 4 stars; one submission).

Submission:

Labcorp Genetics (formerly Invitae), Labcorp
Classification: Uncertain significance. Last evaluated: 2022-06-02. Review status: criteria provided, single submitter. Criteria: Invitae Variant Classification Sherloc (09022015). Collection method: clinical testing. Allele origin: germline.
Comment: This variant is not present in population databases (gnomAD no frequency). This sequence change replaces valine, which is neutral and non-polar, with phenylalanine, which is neutral and non-polar, at codon 1117 of the PIK3C2A protein (p.Val1117Phe). This variant has not been reported in the literature in individuals affected with PIK3C2A-related conditions. In summary, the available evidence is currently insufficient to determine the role of this variant in disease. Therefore, it has been classified as a Variant of Uncertain Significance. Algorithms developed to predict the effect of missense changes on protein structure and function are either unavailable or do not agree on the potential impact of this missense change (SIFT: "Not Available"; PolyPhen-2: "Possibly Damaging"; Align-GVGD: "Not Available").